The following is an entry in ClinVar:

ClinVar aggregate classification (germline): Uncertain significance (1 of 4 stars; one submission).

Conditions:
Familial hypocalciuric hypercalcemia (FHH). Also called: Familial benign hypercalcemia. Identifiers: Orphanet 405, MedGen C1809471, MONDO:0018458.
Autosomal dominant hypocalcemia 1 (HYPOC1). Also called: HYPOCALCEMIA, FAMILIAL. Identifiers: MedGen C3715128, MONDO:0011013, OMIM 601198.

Submission:

Labcorp Genetics (formerly Invitae), Labcorp
Classification: Uncertain significance for Familial hypocalciuric hypercalcemia; Autosomal dominant hypocalcemia 1. Last evaluated: 2021-10-13. Review status: criteria provided, single submitter. Criteria: Invitae Variant Classification Sherloc (09022015). Collection method: clinical testing. Allele origin: germline.
Comment: In summary, the available evidence is currently insufficient to determine the role of this variant in disease. Therefore, it has been classified as a Variant of Uncertain Significance. This sequence change replaces valine with leucine at codon 833 of the CASR protein (p.Val833Leu). The valine residue is highly conserved and there is a small physicochemical difference between valine and leucine. This variant is not present in population databases (ExAC no frequency). This variant has not been reported in the literature in individuals affected with CASR-related conditions. Algorithms developed to predict the effect of missense changes on protein structure and function are either unavailable or do not agree on the potential impact of this missense change (SIFT: "Deleterious"; PolyPhen-2: "Possibly Damaging"; Align-GVGD: "Class C0").

NM_000388.4(CASR):c.2497G>C (p.Val833Leu)

Gene: CASR (calcium sensing receptor; plus strand). Cytogenetic location: 3q21.1.
Variant type: single nucleotide variant.
Coding change: c.2497G>C on transcript NM_000388.4 (MANE Select); coding-DNA position 2497, G replaced by C.
Protein change: p.Val833Leu; replaces valine 833 with leucine.
Molecular consequence: missense variant.
Genome position (GRCh38, 1-based): chr3:122,284,451, G>C. VCF-style: chr3-122284451-G-C. GRCh37 (hg19) VCF-style: chr3-122003298-G-C.
Other names: c.2527G>C, p.Val843Leu (NM_001178065.2); short protein forms V833L, V843L.
Identifiers: ClinVar variation 1483708 (VCV001483708.6), dbSNP rs1187496835, ClinGen allele CA354160082.
Genomic context (GRCh38, chr3:122,284,451, plus strand): 5'-ATCTTCTTCATCGTCTGGATCTCCTTCATTCCAGCCTATGCCAGCACCTATGGCAAGTTT[G>C]TCTCTGCCGTAGAGGTGATTGCCATCCTGGCAGCCAGCTTTGGCTTGCTGGCGTGCATCT-3'
Protein context (NP_000379.3, residues 823-843): PAYASTYGKF[Val833Leu]SAVEVIAILA